The following is an entry in ClinVar:

NM_016222.4(DDX41):c.645-3C>T

Gene: DDX41 (DEAD-box helicase 41; minus strand). Cytogenetic location: 5q35.3.
Variant type: single nucleotide variant.
Coding change: c.645-3C>T on transcript NM_016222.4 (MANE Select); 3 bases into the intron before coding-DNA position 645, C replaced by T.
Molecular consequence: intron variant.
Genome position (GRCh38, 1-based): chr5:177,515,072, G>A on the plus strand (C>T on the coding strand, the complement: DDX41 is on the minus strand). VCF-style: chr5-177515072-G-A. GRCh37 (hg19) VCF-style: chr5-176942073-G-A.
Other names: c.267-3C>T (NM_001321830.2, NM_001321732.2).
Identifiers: ClinVar variation 4238775 (VCV004238775.1).

ClinVar aggregate classification (germline): Uncertain significance (1 of 4 stars; one submission).

Conditions:
Inborn genetic diseases. Identifiers: MedGen C0950123, MeSH D030342.

gnomAD v4.1: 1 of 1,612,332 alleles (0.000062%); highest among the groups gnomAD compares: African/African-American, 0.0013%; no homozygotes.

Submission:

Ambry Genetics
Classification: Uncertain significance for Inborn genetic diseases. Last evaluated: 2025-07-31. Review status: criteria provided, single submitter. Criteria: Ambry Variant Classification Scheme 2023. Collection method: clinical testing. Allele origin: germline.
Comment: The c.645-3C>T intronic variant results from a C to T substitution 3 nucleotides upstream from coding exon 8 in the DDX41 gene. This nucleotide position is not well conserved in available vertebrate species. In silico splice site analysis predicts that this alteration may result in the creation or strengthening of a novel splice acceptor site. Based on the available evidence, the clinical significance of this variant remains unclear.